The following is an entry in ClinVar:

NM_001904.4(CTNNB1):c.1023C>T (p.Ser341=)

Gene: CTNNB1 (catenin beta 1; plus strand). Cytogenetic location: 3p22.1.
Variant type: single nucleotide variant.
Coding change: c.1023C>T on transcript NM_001904.4 (MANE Select); coding-DNA position 1023, C replaced by T.
Protein change: p.Ser341=; no amino-acid change (serine 341 retained).
Molecular consequence: synonymous variant.
Genome position (GRCh38, 1-based): chr3:41,227,294, C>T. VCF-style: chr3-41227294-C-T. GRCh37 (hg19) VCF-style: chr3-41268785-C-T.
Other names: c.1023C>T, p.Ser341= (NM_001098209.2, NM_001098210.2); c.1002C>T, p.Ser334= (NM_001330729.2).
Identifiers: ClinVar variation 775861 (VCV000775861.46), dbSNP rs34343353, ClinGen allele CA2331014.

ClinVar aggregate classification (germline): Benign/Likely benign. Review status: criteria provided, multiple submitters, no conflicts (2 of 4 stars). 7 submissions from 7 submitters: Benign (4); Likely benign (2). 1 of the submissions does not count toward it. Last evaluated 2026-09-01.

Conditions:
CTNNB1-related disorder. Also called: CTNNB1-related condition.

Allele frequency attached by ClinVar (database versions not stated): gnomAD exomes 0.00015 and 0.00038; ExAC 0.00047; 1000 Genomes Project 30x 0.00109; 1000 Genomes Project 0.00140; gnomAD 0.00141 and 0.00154; TOPMed 0.00158; ESP Exome Variant Server 0.00177.
gnomAD v4.1: 440 of 1,613,944 alleles (0.027%); highest among the groups gnomAD compares: African/African-American, 0.55%; no homozygotes.

Submissions (7):

CeGaT Center for Human Genetics Tuebingen
Classification: Likely benign. Last evaluated: 2026-09-01. Review status: criteria provided, single submitter. Criteria: CeGaT Center For Human Genetics Tuebingen Variant Classification Criteria Version 2. Collection method: clinical testing. Allele origin: germline. Affected: yes. Observed: 3 variant alleles.
Comment: CTNNB1: BP4, BP7, BS1

Labcorp Genetics (formerly Invitae), Labcorp
Classification: Benign. Last evaluated: 2026-02-03. Review status: criteria provided, single submitter. Criteria: Invitae Variant Classification Sherloc (09022015). Collection method: clinical testing. Allele origin: germline.

Blueprint Genetics
Classification: Likely benign. Last evaluated: 2023-12-01. Review status: criteria provided, single submitter. Criteria: ACMG Guidelines, 2015. Collection method: clinical testing. Allele origin: germline.

GeneDx
Classification: Benign. Last evaluated: 2019-08-22. Review status: criteria provided, single submitter. Criteria: GeneDx Variant Classification Process June 2021. Collection method: clinical testing. Allele origin: germline. Affected: yes.

Genetic Services Laboratory, University of Chicago
Classification: Benign. Last evaluated: 2017-09-22. Review status: criteria provided, single submitter. Criteria: ACMG Guidelines, 2015. Collection method: clinical testing. Allele origin: germline. Affected: no.

Breakthrough Genomics
Classification: Benign. Review status: criteria provided, single submitter. Criteria: ACMG Guidelines, 2015. Collection method: not provided. Allele origin: germline. Inheritance: Autosomal dominant inheritance. Affected: yes.

PreventionGenetics, part of Exact Sciences
Classification: Benign for CTNNB1-related condition. Last evaluated: 2019-11-26. Review status: no assertion criteria provided. Collection method: clinical testing. Allele origin: germline. Not counted in ClinVar's aggregate classification.
Comment: This variant is classified as benign based on ACMG/AMP sequence variant interpretation guidelines (Richards et al. 2015 PMID: 25741868, with internal and published modifications).